The following is an entry in ClinVar:

NM_000553.6(WRN):c.3670C>G (p.Gln1224Glu)

Gene: WRN (WRN RecQ like helicase; plus strand). Cytogenetic location: 8p12.
Variant type: single nucleotide variant.
Coding change: c.3670C>G on transcript NM_000553.6 (MANE Select); coding-DNA position 3670, C replaced by G.
Protein change: p.Gln1224Glu; replaces glutamine 1224 with glutamic acid.
Molecular consequence: missense variant.
Genome position (GRCh38, 1-based): chr8:31,150,438, C>G. VCF-style: chr8-31150438-C-G. GRCh37 (hg19) VCF-style: chr8-31007954-C-G.
Other names: short protein forms Q1224E.
Identifiers: ClinVar variation 1419144 (VCV001419144.6), dbSNP rs1803078013, ClinGen allele CA370928103.

ClinVar aggregate classification (germline): Uncertain significance (1 of 4 stars; one submission).

Conditions:
Werner syndrome (WRN). Identifiers: Orphanet 902, MedGen C0043119, MONDO:0010196, OMIM 277700.

Allele frequency attached by ClinVar (database versions not stated): gnomAD 0.00001.
gnomAD v4.1: 1 of 1,613,996 alleles (0.000062%); highest among the groups gnomAD compares: Admixed American, 0.0017%; no homozygotes.

Submission:

Labcorp Genetics (formerly Invitae), Labcorp
Classification: Uncertain significance for Werner syndrome. Last evaluated: 2023-09-26. Review status: criteria provided, single submitter. Criteria: Invitae Variant Classification Sherloc (09022015). Collection method: clinical testing. Allele origin: germline.
Comment: This sequence change replaces glutamine, which is neutral and polar, with glutamic acid, which is acidic and polar, at codon 1224 of the WRN protein (p.Gln1224Glu). This variant is not present in population databases (gnomAD no frequency). This variant has not been reported in the literature in individuals affected with WRN-related conditions. ClinVar contains an entry for this variant (Variation ID: 1419144). An algorithm developed to predict the effect of missense changes on protein structure and function (PolyPhen-2) suggests that this variant is likely to be tolerated. In summary, the available evidence is currently insufficient to determine the role of this variant in disease. Therefore, it has been classified as a Variant of Uncertain Significance.